The following is an entry in ClinVar:

NM_004360.5(CDH1):c.2052C>T (p.Ser684=)

Gene: CDH1 (cadherin 1; plus strand). Cytogenetic location: 16q22.1.
Variant type: single nucleotide variant.
Coding change: c.2052C>T on transcript NM_004360.5 (MANE Select); coding-DNA position 2052, C replaced by T.
Protein change: p.Ser684=; no amino-acid change (serine 684 retained).
Molecular consequence: synonymous variant.
Genome position (GRCh38, 1-based): chr16:68,823,514, C>T. VCF-style: chr16-68823514-C-T. GRCh37 (hg19) VCF-style: chr16-68857417-C-T.
Other names: c.2052C>T (LRG_301t1); c.1869C>T, p.Ser623= (NM_001317184.2); c.504C>T, p.Ser168= (NM_001317185.2); c.87C>T, p.Ser29= (NM_001317186.2).
Identifiers: ClinVar variation 186798 (VCV000186798.15), dbSNP rs764379691, ClinGen allele CA195901.

ClinVar aggregate classification (germline): Conflicting classifications of pathogenicity. Review status: criteria provided, conflicting classifications (1 of 4 stars). 4 submissions from 4 submitters: Uncertain significance (3); Likely benign (1). Last evaluated 2025-09-04.

Conditions:
Hereditary cancer-predisposing syndrome. Also called: Hereditary Cancer Syndrome; Neoplastic Syndromes, Hereditary; Tumor predisposition; Hereditary neoplastic syndrome. Identifiers: Orphanet 140162, MedGen C0027672, MeSH D009386, MONDO:0015356.
Hereditary diffuse gastric adenocarcinoma (HDGC). Also called: DIFFUSE GASTRIC AND LOBULAR BREAST CANCER SYNDROME. Identifiers: Orphanet 26106, MedGen C1708349, MONDO:0007648, OMIM 137215.

Allele frequency attached by ClinVar (database versions not stated): gnomAD exomes below 0.00001 and 0.00001; TOPMed 0.00001; ExAC 0.00002; gnomAD 0.00003.

Submissions (4):

Labcorp Genetics (formerly Invitae), Labcorp
Classification: Uncertain significance for Hereditary diffuse gastric adenocarcinoma. Last evaluated: 2025-09-04. Review status: criteria provided, single submitter. Criteria: Invitae Variant Classification Sherloc (09022015). Collection method: clinical testing. Allele origin: germline.
Comment: This sequence change affects codon 684 of the CDH1 mRNA. It is a 'silent' change, meaning that it does not change the encoded amino acid sequence of the CDH1 protein. RNA analysis indicates that this variant induces altered splicing and may result in an absent or altered protein product. This variant is present in population databases (rs764379691, gnomAD 0.003%). This variant has been observed in individual(s) with gastric cancer (PMID: 31600923). ClinVar contains an entry for this variant (Variation ID: 186798). Studies have shown that this variant results in activation of a cryptic splice site, and produces a non-functional protein and/or introduces a premature termination codon (internal data). In summary, the available evidence is currently insufficient to determine the role of this variant in disease. Therefore, it has been classified as a Variant of Uncertain Significance.

Color Diagnostics, LLC DBA Color Health
Classification: Uncertain significance for Hereditary cancer-predisposing syndrome. Last evaluated: 2023-01-09. Review status: criteria provided, single submitter. Criteria: ACMG Guidelines, 2015. Collection method: clinical testing. Allele origin: germline.
Comment: This variant is located in the CDH1 protein. Splice site prediction tools suggest that this variant may impact RNA splicing. To our knowledge, functional studies have not been reported for this variant. This variant has been reported in an individual affected with diffuse gastric cancer in the literature (PMID: 31600923). This variant has been identified in 3/251468 chromosomes in the general population by the Genome Aggregation Database (gnomAD). The available evidence is insufficient to determine the role of this variant in disease conclusively. Therefore, this variant is classified as a Variant of Uncertain Significance.

GeneDx
Classification: Uncertain significance. Last evaluated: 2022-02-22. Review status: criteria provided, single submitter. Criteria: GeneDx Variant Classification Process June 2021. Collection method: clinical testing. Allele origin: germline. Affected: yes.
Comment: Not observed at significant frequency in large population cohorts (gnomAD); In silico analysis supports a deleterious effect on splicing; Has not been previously published as pathogenic or benign to our knowledge

Ambry Genetics
Classification: Likely benign for Hereditary cancer-predisposing syndrome. Last evaluated: 2014-10-24. Review status: criteria provided, single submitter. Criteria: Ambry Variant Classification Scheme 2023. Collection method: clinical testing. Allele origin: germline.

Literature cited by the submitters: PubMed 31600923 (cited by Labcorp Genetics (formerly Invitae), Labcorp and Color Diagnostics, LLC DBA Color Health).